The following is an entry in ClinVar:

ClinVar aggregate classification (germline): Pathogenic (1 of 4 stars; one submission).

Submission:

Labcorp Genetics (formerly Invitae), Labcorp
Classification: Pathogenic. Last evaluated: 2022-10-04. Review status: criteria provided, single submitter. Criteria: Invitae Variant Classification Sherloc (09022015). Collection method: clinical testing. Allele origin: germline.
Comment: This sequence change creates a premature translational stop signal (p.Lys903*) in the COL11A1 gene. It is expected to result in an absent or disrupted protein product. Loss-of-function variants in COL11A1 are known to be pathogenic (PMID: 20513134, 21035103, 23922384, 25240749, 32427345, 32756486). For these reasons, this variant has been classified as Pathogenic. This variant has not been reported in the literature in individuals affected with COL11A1-related conditions. This variant is not present in population databases (gnomAD no frequency).

Literature cited by the submitters: PubMed 20513134; PubMed 21035103; PubMed 23922384; PubMed 25240749; PubMed 32427345; PubMed 32756486.

NM_001854.4(COL11A1):c.2707A>T (p.Lys903Ter)

Gene: COL11A1 (collagen type XI alpha 1 chain; minus strand). Cytogenetic location: 1p21.1.
Variant type: single nucleotide variant.
Coding change: c.2707A>T on transcript NM_001854.4 (MANE Select); coding-DNA position 2707, A replaced by T.
Protein change: p.Lys903Ter; replaces lysine 903 with a stop codon.
Molecular consequence: nonsense. On other transcripts: non-coding transcript variant (1).
Genome position (GRCh38, 1-based): chr1:102,978,862, T>A on the plus strand (A>T on the coding strand, the complement: COL11A1 is on the minus strand). VCF-style: chr1-102978862-T-A. GRCh37 (hg19) VCF-style: chr1-103444418-T-A.
Other names: c.2359A>T, p.Lys787Ter (NM_001168249.1, NM_080630.4); c.2590A>T, p.Lys864Ter (NM_001190709.2); c.2743A>T, p.Lys915Ter (NM_080629.3); short protein forms K787*, K864*, K915*, K903*.
Identifiers: ClinVar variation 2109478 (VCV002109478.4), dbSNP rs2525109111, ClinGen allele CA341163185.